The following is an entry in ClinVar:

NM_002458.3(MUC5B):c.9742G>A (p.Ala3248Thr)

Genes: MUC5B (mucin 5B, oligomeric mucus/gel-forming; plus strand), MUC5B-AS1 (MUC5B antisense RNA 1; minus strand). Cytogenetic location: 11p15.5.
Variant type: single nucleotide variant.
Coding change: c.9742G>A on transcript NM_002458.3 (MANE Select); coding-DNA position 9742, G replaced by A.
Protein change: p.Ala3248Thr; replaces alanine 3248 with threonine.
Molecular consequence: missense variant.
Genome position (GRCh38, 1-based): chr11:1,246,622, G>A. VCF-style: chr11-1246622-G-A. GRCh37 (hg19) VCF-style: chr11-1267852-G-A.
Other names: short protein forms A3248T.
Identifiers: ClinVar variation 2641256 (VCV002641256.24), dbSNP rs201342042, ClinGen allele CA5807122.

ClinVar aggregate classification (germline): Likely benign (1 of 4 stars; one submission).

Submission:

CeGaT Center for Human Genetics Tuebingen
Classification: Likely benign. Last evaluated: 2023-07-01. Review status: criteria provided, single submitter. Criteria: CeGaT Center For Human Genetics Tuebingen Variant Classification Criteria Version 2. Collection method: clinical testing. Allele origin: germline. Affected: yes. Observed: 4 variant alleles.
Comment: MUC5B: BP4, BS2